The following is an entry in ClinVar:

ClinVar aggregate classification (germline): Uncertain significance (1 of 4 stars; one submission).

Conditions:
SLCO1B3-related disorder. Also called: SLCO1B3-related condition.

Allele frequency attached by ClinVar (database versions not stated): gnomAD 0.00001; gnomAD exomes 0.00001; TOPMed 0.00003.
gnomAD v4.1: 25 of 1,589,092 alleles (0.0016%); highest among the groups gnomAD compares: Admixed American, 0.0018%; no homozygotes.

Submission:

PreventionGenetics, part of Exact Sciences
Classification: Uncertain significance for SLCO1B3-related condition. Last evaluated: 2023-03-10. Review status: criteria provided, single submitter. Criteria: ACMG Guidelines, 2015. Collection method: clinical testing. Allele origin: germline.
Comment: The SLCO1B3 c.1123A>C variant is predicted to result in the amino acid substitution p.Asn375His. To our knowledge, this variant has not been reported in the literature. This variant is reported in 0.00094% of alleles in individuals of European (Non-Finnish) descent in gnomAD. At this time, the clinical significance of this variant is uncertain due to the absence of conclusive functional and genetic evidence.

NM_019844.4(SLCO1B3):c.1123A>C (p.Asn375His)

Genes: SLCO1B3-SLCO1B7 (SLCO1B3-SLCO1B7 readthrough; plus strand), SLCO1B3 (solute carrier organic anion transporter family member 1B3; plus strand). Cytogenetic location: 12p12.2.
Variant type: single nucleotide variant.
Coding change: c.1123A>C on transcript NM_019844.4 (MANE Select); coding-DNA position 1123, A replaced by C.
Protein change: p.Asn375His; replaces asparagine 375 with histidine.
Molecular consequence: missense variant.
Genome position (GRCh38, 1-based): chr12:20,877,924, A>C. VCF-style: chr12-20877924-A-C. GRCh37 (hg19) VCF-style: chr12-21030858-A-C.
Other names: c.1123A>C, p.Asn375His (NM_001371097.1); c.1039A>C, p.Asn347His (NM_001349920.2); short protein forms N347H, N375H.
Identifiers: ClinVar variation 2631904 (VCV002631904.1), dbSNP rs1053663074, ClinGen allele CA233490001.